The following is an entry in ClinVar:

ClinVar aggregate classification (germline): Uncertain significance. Review status: criteria provided, multiple submitters, no conflicts (2 of 4 stars). 2 submissions from 2 submitters: Uncertain significance (2). Last evaluated 2022-12-28.

Conditions:
Inborn genetic diseases. Identifiers: MedGen C0950123, MeSH D030342.

Allele frequency attached by ClinVar (database versions not stated): ExAC 0.00001; gnomAD 0.00002; gnomAD exomes 0.00002 and 0.00004; TOPMed 0.00003; ESP Exome Variant Server 0.00008.
gnomAD v4.1: 56 of 1,614,150 alleles (0.0035%); highest among the groups gnomAD compares: African/African-American, 0.0053%; no homozygotes.

Submissions (2):

Ambry Genetics
Classification: Uncertain significance for Inborn genetic diseases. Last evaluated: 2022-12-28. Review status: criteria provided, single submitter. Criteria: Ambry Variant Classification Scheme 2023. Collection method: clinical testing. Allele origin: germline.

Labcorp Genetics (formerly Invitae), Labcorp
Classification: Uncertain significance. Last evaluated: 2021-07-28. Review status: criteria provided, single submitter. Criteria: Invitae Variant Classification Sherloc (09022015). Collection method: clinical testing. Allele origin: germline.
Comment: In summary, the available evidence is currently insufficient to determine the role of this variant in disease. Therefore, it has been classified as a Variant of Uncertain Significance. Algorithms developed to predict the effect of missense changes on protein structure and function are either unavailable or do not agree on the potential impact of this missense change (SIFT: "Tolerated"; PolyPhen-2: "Probably Damaging"; Align-GVGD: "Class C0"). This variant has not been reported in the literature in individuals with ARHGAP31-related conditions. This variant is present in population databases (rs372260296, ExAC 0.01%). This sequence change replaces proline with threonine at codon 512 of the ARHGAP31 protein (p.Pro512Thr). The proline residue is moderately conserved and there is a small physicochemical difference between proline and threonine.

NM_020754.4(ARHGAP31):c.1534C>A (p.Pro512Thr)

Gene: ARHGAP31 (Rho GTPase activating protein 31; plus strand). Cytogenetic location: 3q13.33.
Variant type: single nucleotide variant.
Coding change: c.1534C>A on transcript NM_020754.4 (MANE Select); coding-DNA position 1534, C replaced by A.
Protein change: p.Pro512Thr; replaces proline 512 with threonine.
Molecular consequence: missense variant.
Genome position (GRCh38, 1-based): chr3:119,402,286, C>A. VCF-style: chr3-119402286-C-A. GRCh37 (hg19) VCF-style: chr3-119121133-C-A.
Other names: c.1534C>A (NM_020754.2); short protein forms P512T.
Identifiers: ClinVar variation 1353457 (VCV001353457.9), dbSNP rs372260296, ClinGen allele CA2553838.